The following is an entry in ClinVar:

NM_020719.3(PRR12):c.2926G>C (p.Ala976Pro)

Gene: PRR12 (proline rich 12; plus strand). Cytogenetic location: 19q13.33.
Variant type: single nucleotide variant.
Coding change: c.2926G>C on transcript NM_020719.3 (MANE Select); coding-DNA position 2926, G replaced by C.
Protein change: p.Ala976Pro; replaces alanine 976 with proline.
Molecular consequence: missense variant.
Genome position (GRCh38, 1-based): chr19:49,597,261, G>C. VCF-style: chr19-49597261-G-C. GRCh37 (hg19) VCF-style: chr19-50100518-G-C.
Other names: c.2926G>C (NM_020719.1); short protein forms A976P.
Identifiers: ClinVar variation 3048179 (VCV003048179.3), dbSNP rs201508997, ClinGen allele CA9578213.
Genomic context (GRCh38, chr19:49,597,261, plus strand): 5'-GGAGGGGCCGCGGACGACTACGGCAAGGCCGGGCCACCTGAGGACGAGGGGGACCCCAAG[G>C]CTGGCGCTGGGCCACCCCCCGGCCCCCCTGCTTATGATCCCTATGGGCCCTACTGTCCTG-3'
Protein context (NP_065770.1, residues 966-986): GPPEDEGDPK[Ala976Pro]GAGPPPGPPA

ClinVar aggregate classification (germline): Likely benign. Review status: criteria provided, single submitter (1 of 4 stars). 2 submissions from 2 submitters: Likely benign (1). 1 of the submissions does not count toward it. Last evaluated 2024-06-10.

Conditions:
PRR12-related disorder. Also called: PRR12-related condition.
Inborn genetic diseases. Identifiers: MedGen C0950123, MeSH D030342.

Allele frequency attached by ClinVar (database versions not stated): ESP Exome Variant Server 0.00095; gnomAD 0.00124; TOPMed 0.00148; 1000 Genomes Project 30x 0.00062; 1000 Genomes Project 0.00080.
gnomAD v4.1: 316 of 1,572,258 alleles (0.02%); highest among the groups gnomAD compares: African/African-American, 0.38%; no homozygotes.

Submissions (2):

Ambry Genetics
Classification: Likely benign for Inborn genetic diseases. Last evaluated: 2024-06-10. Review status: criteria provided, single submitter. Criteria: Ambry Variant Classification Scheme 2023. Collection method: clinical testing. Allele origin: germline.

PreventionGenetics, part of Exact Sciences
Classification: Likely benign for PRR12-related condition. Last evaluated: 2022-10-06. Review status: no assertion criteria provided. Collection method: clinical testing. Allele origin: germline. Not counted in ClinVar's aggregate classification.
Comment: This variant is classified as likely benign based on ACMG/AMP sequence variant interpretation guidelines (Richards et al. 2015 PMID: 25741868, with internal and published modifications).